The following is an entry in ClinVar:

ClinVar aggregate classification (germline): Uncertain significance (1 of 4 stars; one submission).

Submission:

ARUP Laboratories, Molecular Genetics and Genomics, ARUP Laboratories
Classification: Uncertain significance. Last evaluated: 2022-01-06. Review status: criteria provided, single submitter. Criteria: ARUP Molecular Germline Variant Investigation Process 2021. Collection method: clinical testing. Allele origin: germline.
Comment: The HBG2 c.397A>C; p.Lys133Gln variant, to our knowledge, is not reported in the medical literature or gene specific databases. This variant is also absent from the Genome Aggregation Database, indicating it is not a common polymorphism. The lysine at codon 133 is moderately conserved, and computational analyses predict that this variant is deleterious (REVEL: 0.838). However, given the lack of clinical and functional data, the significance of the p.Lys133Gln variant is uncertain at this time.

NM_000184.3(HBG2):c.397A>C (p.Lys133Gln)

Gene: HBG2 (hemoglobin subunit gamma 2; minus strand). Cytogenetic location: 11p15.4.
Variant type: single nucleotide variant.
Coding change: c.397A>C on transcript NM_000184.3 (MANE Select); coding-DNA position 397, A replaced by C.
Protein change: p.Lys133Gln; replaces lysine 133 with glutamine.
Molecular consequence: missense variant.
Genome position (GRCh38, 1-based): chr11:5,253,324, T>G on the plus strand (A>C on the coding strand, the complement: HBG2 is on the minus strand). VCF-style: chr11-5253324-T-G. GRCh37 (hg19) VCF-style: chr11-5274554-T-G.
Other names: short protein forms K133Q.
Identifiers: ClinVar variation 1679463 (VCV001679463.7), dbSNP rs2133612273, ClinGen allele CA379263549.